The following is an entry in ClinVar:

NM_000321.3(RB1):c.65C>A (p.Ala22Glu)

Gene: RB1 (RB transcriptional corepressor 1; plus strand). Cytogenetic location: 13q14.2.
Variant type: single nucleotide variant.
Coding change: c.65C>A on transcript NM_000321.3 (MANE Select); coding-DNA position 65, C replaced by A.
Protein change: p.Ala22Glu; replaces alanine 22 with glutamic acid.
Molecular consequence: missense variant.
Genome position (GRCh38, 1-based): chr13:48,303,977, C>A. VCF-style: chr13-48303977-C-A. GRCh37 (hg19) VCF-style: chr13-48878113-C-A.
Other names: c.65C>A, p.Ala22Glu (NM_001407165.1, NM_001407166.1, NM_001407167.1); short protein forms A22E.
Identifiers: ClinVar variation 3663919 (VCV003663919.2).

ClinVar aggregate classification (germline): Uncertain significance (1 of 4 stars; one submission).

Conditions:
Retinoblastoma (RB1). Also called: RETINOBLASTOMA, SOMATIC. Identifiers: Orphanet 790, MedGen C0035335, MeSH D012175, MONDO:0008380, OMIM 180200, HP:0009919. Disease mechanism: loss of function. Inheritance: Both sporadic and heritable forms are tested..

Submission:

Labcorp Genetics (formerly Invitae), Labcorp
Classification: Uncertain significance for Retinoblastoma. Last evaluated: 2024-08-29. Review status: criteria provided, single submitter. Criteria: Invitae Variant Classification Sherloc (09022015). Collection method: clinical testing. Allele origin: germline.
Comment: This sequence change replaces alanine, which is neutral and non-polar, with glutamic acid, which is acidic and polar, at codon 22 of the RB1 protein (p.Ala22Glu). This variant is not present in population databases (gnomAD no frequency). This variant has not been reported in the literature in individuals affected with RB1-related conditions. Invitae Evidence Modeling of protein sequence and biophysical properties (such as structural, functional, and spatial information, amino acid conservation, physicochemical variation, residue mobility, and thermodynamic stability) indicates that this missense variant is expected to disrupt RB1 protein function with a positive predictive value of 80%. In summary, the available evidence is currently insufficient to determine the role of this variant in disease. Therefore, it has been classified as a Variant of Uncertain Significance.